The following is an entry in ClinVar:

ClinVar aggregate classification (germline): not provided (0 of 4 stars; one submission).

Conditions:
Normal pregnancy. Identifiers: MedGen C0232989.

Submission:

Institute of Molecular and Cell Biology, University of Tartu
No classification provided. Condition: Normal pregnancy. Review status: no classification provided. Collection method: case-control. Allele origin: unknown. Affected: yes. Study: Kasak2014.
Comment: The study aimed to determine the contribution of copy number variants in the genetic etiology of normal and complicated pregnancies. The samples represented (i) maternal blood DNA drawn from healthy pregnant women during 1st or 2nd trimester and (ii) maternal and paternal blood DNA drawn at term pregnancy cases representing normal and complicated gestations (severe preeclampsia, PE; gestational diabetes, GD; small-for-gestational age newborn, SGA; large-for-gestational age newborn, LGA). We performed CNV calling based on genome-wide genotyping dataset (Illumina HumanOmniExpress-24-v1 BeadChip) by applying three algorithms, QuantiSNP, GADA (Genome Alteration Detection Algorithm) and CNstream in parallel. The acquired CNV calls were merged with HD-CNV (Hotspot Detector for Copy Number Variants) program and only the CNVs predicted by at least two programs, were considered in subsequent analysis.

Literature cited by the submitters: PubMed 25666259.

NC_000004.12:g.161031076_161088373dup

Genes: LOC132089060 (Neanderthal introgressed variant-containing enhancer experimental_75188; plus strand), LOC132089061 (Neanderthal introgressed variant-containing enhancer experimental_75194; plus strand), LOC132089062 (Neanderthal introgressed variant-containing enhancer experimental_75287; plus strand). Cytogenetic location: 4q32.2.
Variant type: Duplication.
Identifiers: ClinVar variation 156941 (VCV000156941.2).